The following is an entry in ClinVar:

ClinVar aggregate classification (germline): Uncertain significance (1 of 4 stars; one submission).

Submission:

GeneDx
Classification: Uncertain significance. Last evaluated: 2025-05-14. Review status: criteria provided, single submitter. Criteria: GeneDx Variant Classification Process June 2021. Collection method: clinical testing. Allele origin: germline. Affected: yes.
Comment: Not observed at significant frequency in large population cohorts (gnomAD); In silico analysis supports that this missense variant has a deleterious effect on protein structure/function; Has not been previously published as pathogenic or benign to our knowledge

NM_006445.4(PRPF8):c.2579A>G (p.Gln860Arg)

Gene: PRPF8 (pre-mRNA processing factor 8; minus strand). Cytogenetic location: 17p13.3.
Variant type: single nucleotide variant.
Coding change: c.2579A>G on transcript NM_006445.4 (MANE Select); coding-DNA position 2579, A replaced by G.
Protein change: p.Gln860Arg; replaces glutamine 860 with arginine.
Molecular consequence: missense variant.
Genome position (GRCh38, 1-based): chr17:1,676,028, T>C on the plus strand (A>G on the coding strand, the complement: PRPF8 is on the minus strand). VCF-style: chr17-1676028-T-C. GRCh37 (hg19) VCF-style: chr17-1579322-T-C.
Other names: short protein forms Q860R.
Identifiers: ClinVar variation 4529854 (VCV004529854.1).